The following is an entry in ClinVar:

NM_006087.4(TUBB4A):c.900G>A (p.Met300Ile)

Gene: TUBB4A (tubulin beta 4A class IVa; minus strand). Cytogenetic location: 19p13.3.
Variant type: single nucleotide variant.
Coding change: c.900G>A on transcript NM_006087.4 (MANE Select); coding-DNA position 900, G replaced by A.
Protein change: p.Met300Ile; replaces methionine 300 with isoleucine.
Molecular consequence: missense variant.
Genome position (GRCh38, 1-based): chr19:6,495,599, C>T on the plus strand (G>A on the coding strand, the complement: TUBB4A is on the minus strand). VCF-style: chr19-6495599-C-T. GRCh37 (hg19) VCF-style: chr19-6495610-C-T.
Other names: c.1053G>A, p.Met351Ile (NM_001289123.2); c.1035G>A, p.Met345Ile (NM_001289127.2); c.900G>A, p.Met300Ile (NM_001289129.2); c.684G>A, p.Met228Ile (NM_001289130.2, NM_001289131.2); short protein forms M228I, M300I, M345I, M351I.
Identifiers: ClinVar variation 1804778 (VCV001804778.1), dbSNP rs886041012, ClinGen allele CA403590547.
Genomic context (GRCh38, chr19:6,495,599, plus strand): 5'-GCGGCCCCGGAACACGGCGGCCACGGTCAGGTAGCGGCCGTGGCGCGGGTCGCACGCCGC[C>T]ATCATGTTCTTGGCATCGAACATCTGCTGGGTGAGCTCGGGCACCGTCAGGGCCCGGTAC-3'
Protein context (NP_006078.2, residues 290-310): TQQMFDAKNM[Met300Ile]AACDPRHGRY

ClinVar aggregate classification (germline): Uncertain significance (1 of 4 stars; one submission).

Submission:

Women's Health and Genetics/Laboratory Corporation of America, LabCorp
Classification: Uncertain significance. Last evaluated: 2022-11-16. Review status: criteria provided, single submitter. Criteria: LabCorp Variant Classification Summary - May 2015. Collection method: clinical testing. Allele origin: germline.
Comment: Variant summary: TUBB4A c.900G>A (p.Met300Ile) results in a conservative amino acid change located in the Tubulin/FtsZ, 2-layer sandwich domain (IPR018316) of the encoded protein sequence. Four of five in-silico tools predict a damaging effect of the variant on protein function. The variant was absent in 250252 control chromosomes (gnomAD). c.900G>A has not been reported but another variant (c.900G>T) with the same residue effect (p.Met300Ile) was found in individuals affected with clinical symptoms include delayed motor and speech development, with progressive deterioration of the motor function, including ataxia, dysarthria or anarthria, including de novo occurrences (Pyle_2015, Erro_2015). MRIs of these patients reveal the most common feature of H-ABC: hypomyelination/demyelinization with atrophy of the cerebellum. These data indicate that p.Met300Ile may be associated with disease. To our knowledge, no experimental evidence demonstrating an impact on protein function has been reported. No clinical diagnostic laboratories have submitted clinical-significance assessments for this variant to ClinVar after 2014. Based on the evidence outlined above, the variant was classified as VUS-possibly pathogenic.

Literature cited by the submitters: PubMed 25545912; PubMed 32581692; PubMed 25497598.